The following is an entry in ClinVar:

ClinVar aggregate classification (germline): Uncertain significance (1 of 4 stars; one submission).

Conditions:
Warburg micro syndrome 2 (WARBM2). Also called: MICRO SYNDROME 2. Identifiers: Orphanet 2510, MedGen C3280214, MONDO:0013641, OMIM 614225.
Martsolf syndrome (MARTS). Also called: Congenital cataract with intellectual disability and hypogonadotropic hypogonadism syndrome. Identifiers: Orphanet 1387, MedGen C0796037, MONDO:0023910.

Allele frequency attached by ClinVar (database versions not stated): gnomAD 0.00001 and 0.00003; gnomAD exomes 0.00002 and 0.00007; ExAC 0.00007; TOPMed 0.00007; 1000 Genomes Project 0.00040; 1000 Genomes Project 30x 0.00047.
gnomAD v4.1: 31 of 1,611,430 alleles (0.0019%); highest among the groups gnomAD compares: East Asian, 0.067%; no homozygotes.

Submission:

Labcorp Genetics (formerly Invitae), Labcorp
Classification: Uncertain significance for Martsolf syndrome; Warburg micro syndrome 2. Last evaluated: 2022-03-17. Review status: criteria provided, single submitter. Criteria: Invitae Variant Classification Sherloc (09022015). Collection method: clinical testing. Allele origin: germline.
Comment: This sequence change affects codon 60 of the RAB3GAP2 mRNA. It is a 'silent' change, meaning that it does not change the encoded amino acid sequence of the RAB3GAP2 protein. It affects a nucleotide within the consensus splice site. This variant is present in population databases (rs138809681, gnomAD 0.1%). This variant has not been reported in the literature in individuals affected with RAB3GAP2-related conditions. ClinVar contains an entry for this variant (Variation ID: 463028). Algorithms developed to predict the effect of sequence changes on RNA splicing suggest that this variant is not likely to affect RNA splicing. In summary, the available evidence is currently insufficient to determine the role of this variant in disease. Therefore, it has been classified as a Variant of Uncertain Significance.

NM_012414.4(RAB3GAP2):c.180T>A (p.Pro60=)

Gene: RAB3GAP2 (RAB3 GTPase activating non-catalytic protein subunit 2; minus strand). Cytogenetic location: 1q41.
Variant type: single nucleotide variant.
Coding change: c.180T>A on transcript NM_012414.4 (MANE Select); coding-DNA position 180, T replaced by A.
Protein change: p.Pro60=; no amino-acid change (proline 60 retained).
Molecular consequence: synonymous variant.
Genome position (GRCh38, 1-based): chr1:220,232,799, A>T on the plus strand (T>A on the coding strand, the complement: RAB3GAP2 is on the minus strand). VCF-style: chr1-220232799-A-T. GRCh37 (hg19) VCF-style: chr1-220406141-A-T.
Identifiers: ClinVar variation 463028 (VCV000463028.4), dbSNP rs138809681, ClinGen allele CA1403113.